The following is an entry in ClinVar:

NM_001845.6(COL4A1):c.553-8C>T

Gene: COL4A1 (collagen type IV alpha 1 chain; minus strand). Cytogenetic location: 13q34.
Variant type: single nucleotide variant.
Coding change: c.553-8C>T on transcript NM_001845.6 (MANE Select); 8 bases into the intron before coding-DNA position 553, C replaced by T.
Molecular consequence: intron variant.
Genome position (GRCh38, 1-based): chr13:110,210,050, G>A on the plus strand (C>T on the coding strand, the complement: COL4A1 is on the minus strand). VCF-style: chr13-110210050-G-A. GRCh37 (hg19) VCF-style: chr13-110862397-G-A.
Other names: c.553-8C>T (NM_001303110.2).
Identifiers: ClinVar variation 311076 (VCV000311076.43), dbSNP rs199534388, ClinGen allele CA7048443.

ClinVar aggregate classification (germline): Benign/Likely benign. Review status: criteria provided, multiple submitters, no conflicts (2 of 4 stars). 6 submissions from 5 submitters: Benign (3); Likely benign (3). Last evaluated 2026-01-31.

Conditions:
Autosomal dominant familial hematuria-retinal arteriolar tortuosity-contractures syndrome. Also called: Hereditary Angiopathy with Nephropathy, Aneurysms, and Muscle Cramps (HANAC) Syndrome; Angiopathy, hereditary, with nephropathy, aneurysms, and muscle cramps. Identifiers: Orphanet 73229, MedGen C2673195, MONDO:0012726, OMIM 611773.
Brain small vessel disease 1 with or without ocular anomalies (BSVD1). Also called: BRAIN SMALL VESSEL DISEASE WITH HEMORRHAGE; PORENCEPHALY, TYPE 1, AUTOSOMAL DOMINANT; GOULD SYNDROME 1; Brain small vessel disease with or without ocular anomalies. Identifiers: Orphanet 2940, Orphanet 36383, Orphanet 99810, MedGen C4755307, MONDO:0008289, OMIM 175780.

Allele frequency attached by ClinVar (database versions not stated): gnomAD exomes 0.00019 and 0.00039; gnomAD 0.00022; ExAC 0.00027; TOPMed 0.00028; ESP Exome Variant Server 0.00046.
gnomAD v4.1: 357 of 1,613,990 alleles (0.022%); highest among the groups gnomAD compares: Admixed American, 0.01%; no homozygotes.

Submissions (6):

Labcorp Genetics (formerly Invitae), Labcorp
Classification: Benign. Last evaluated: 2026-01-31. Review status: criteria provided, single submitter. Criteria: Invitae Variant Classification Sherloc (09022015). Collection method: clinical testing. Allele origin: germline.

Blueprint Genetics
Classification: Likely benign. Last evaluated: 2024-07-26. Review status: criteria provided, single submitter. Criteria: ACMG Guidelines, 2015. Collection method: clinical testing. Allele origin: germline.

CeGaT Center for Human Genetics Tuebingen
Classification: Likely benign. Last evaluated: 2024-07-01. Review status: criteria provided, single submitter. Criteria: CeGaT Center For Human Genetics Tuebingen Variant Classification Criteria Version 2. Collection method: clinical testing. Allele origin: germline. Affected: yes. Observed: 2 variant alleles.
Comment: COL4A1: BP4

GeneDx
Classification: Likely benign. Last evaluated: 2021-06-21. Review status: criteria provided, single submitter. Criteria: GeneDx Variant Classification Process June 2021. Collection method: clinical testing. Allele origin: germline. Affected: yes.

Illumina Laboratory Services, Illumina
Classification: Benign for Brain small vessel disease 1 with or without ocular anomalies. Last evaluated: 2018-01-13. Review status: criteria provided, single submitter. Criteria: ICSL Variant Classification Criteria 13 December 2019. Collection method: clinical testing. Allele origin: germline.
Comment: This variant was observed in the ICSL laboratory as part of a predisposition screen in an ostensibly healthy population. It had not been previously curated by ICSL or reported in the Human Gene Mutation Database (HGMD: prior to June 1st, 2018), and was therefore a candidate for classification through an automated scoring system. Utilizing variant allele frequency, disease prevalence and penetrance estimates, and inheritance mode, an automated score was calculated to assess if this variant is too frequent to cause the disease. Based on the score and internal cut-off values, a variant classified as benign is not then subjected to further curation. The score for this variant resulted in a classification of benign for this disease.

Illumina Laboratory Services, Illumina
Classification: Benign for Autosomal dominant familial hematuria-retinal arteriolar tortuosity-contractures syndrome. Last evaluated: 2018-01-13. Review status: criteria provided, single submitter. Criteria: ICSL Variant Classification Criteria 13 December 2019. Collection method: clinical testing. Allele origin: germline.
Comment: the same text as in the submission from Illumina Laboratory Services, Illumina above.